The following is an entry in ClinVar:

ClinVar aggregate classification (germline): Benign/Likely benign. Review status: criteria provided, multiple submitters, no conflicts (2 of 4 stars). 5 submissions from 5 submitters: Benign (3); Likely benign (1). 1 of the submissions does not count toward it. Last evaluated 2025-07-10.

Conditions:
Hereditary cancer-predisposing syndrome. Also called: Hereditary neoplastic syndrome; Tumor predisposition; Neoplastic Syndromes, Hereditary; Hereditary Cancer Syndrome. Identifiers: Orphanet 140162, MedGen C0027672, MeSH D009386, MONDO:0015356.
Familial cutaneous telangiectasia and oropharyngeal predisposition cancer syndrome. Identifiers: Orphanet 313846, MedGen C3281203, MONDO:0013806, OMIM 614564.

Allele frequency attached by ClinVar (database versions not stated): 1000 Genomes Project 30x 0.11477; 1000 Genomes Project 0.11721; TOPMed 0.13240; gnomAD exomes 0.13622 and 0.14842; ExAC 0.13738; gnomAD 0.13773 and 0.13934; ESP Exome Variant Server 0.14396.
gnomAD v4.1: 195,606 of 1,331,720 alleles (15%); highest among the groups gnomAD compares: Non-Finnish European, 16%; 15,104 homozygotes.

Submissions (5):

GeneKor MSA
Classification: Benign for Hereditary cancer-predisposing syndrome. Last evaluated: 2025-07-10. Review status: criteria provided, single submitter. Criteria: ACMG Guidelines, 2015. Collection method: clinical testing. Allele origin: germline.

KCCC/NGS Laboratory, Kuwait Cancer Control Center
Classification: Likely benign for Familial cutaneous telangiectasia and oropharyngeal predisposition cancer syndrome. Last evaluated: 2023-07-07. Review status: criteria provided, single submitter. Criteria: ACMG Guidelines, 2015. Collection method: clinical testing. Allele origin: germline. Affected: yes.

GeneDx
Classification: Benign. Last evaluated: 2018-06-16. Review status: criteria provided, single submitter. Criteria: GeneDx Variant Classification (06012015). Collection method: clinical testing. Allele origin: germline. Affected: yes.
Comment: This variant is considered likely benign or benign based on one or more of the following criteria: it is a conservative change, it occurs at a poorly conserved position in the protein, it is predicted to be benign by multiple in silico algorithms, and/or has population frequency not consistent with disease.

Breakthrough Genomics
Classification: Benign. Review status: criteria provided, single submitter. Criteria: ACMG Guidelines, 2015. Collection method: not provided. Allele origin: germline. Inheritance: Autosomal recessive inheritance. Affected: yes.

Genetic Services Laboratory, University of Chicago
Classification: Likely benign. Review status: no assertion criteria provided. Collection method: clinical testing. Allele origin: germline. Inheritance: Autosomal recessive inheritance. Not counted in ClinVar's aggregate classification.
Comment: Likely benign based on allele frequency in 1000 Genomes Project or ESP global frequency and its presence in a patient with a rare or unrelated disease phenotype. NOT Sanger confirmed

NM_001184.4(ATR):c.3726-47A>G

Gene: ATR (ATR checkpoint kinase; minus strand). Cytogenetic location: 3q23.
Variant type: single nucleotide variant.
Coding change: c.3726-47A>G on transcript NM_001184.4 (MANE Select); 47 bases into the intron before coding-DNA position 3726, A replaced by G.
Molecular consequence: intron variant.
Genome position (GRCh38, 1-based): chr3:142,536,248, T>C on the plus strand (A>G on the coding strand, the complement: ATR is on the minus strand). VCF-style: chr3-142536248-T-C. GRCh37 (hg19) VCF-style: chr3-142255090-T-C.
Other names: c.3534-47A>G (NM_001354579.2).
Identifiers: ClinVar variation 157979 (VCV000157979.9), dbSNP rs73240314, ClinGen allele CA171357.
Genomic context (GRCh38, chr3:142,536,248, plus strand): 5'-CTTGCACAGCATCCCTAATAGTTAGTTGGAATAAAAAGAATTATTTGCCAAGAATATGAA[T>C]ACTAAAAAAATGTAAAGTAAAAGTTGAAACTAAGGCCAATTTAATTCATAATTAAAAGTG-3'